The following is an entry in ClinVar:

ClinVar aggregate classification (germline): Conflicting classifications of pathogenicity. Review status: criteria provided, conflicting classifications (1 of 4 stars). 3 submissions from 3 submitters: Uncertain significance (1); Likely benign (1). 1 of the submissions does not count toward it. Last evaluated 2025-06-17.

Conditions:
Arthrogryposis, renal dysfunction, and cholestasis 1 (ARCS1). Identifiers: Orphanet 2697, MedGen C1859722, MONDO:0008822, OMIM 208085.
Keratoderma-ichthyosis-deafness syndrome, autosomal recessive (KDIDAR). Identifiers: MedGen C5774200, MONDO:0859278, OMIM 620009.
Cholestasis, progressive familial intrahepatic, 12 (PFIC12). Also called: CHOLESTASIS, ISOLATED LOW-GGT. Identifiers: MedGen C5774311, MONDO:0031040, OMIM 620010.
VPS33B-related disorder. Also called: VPS33B-related condition.

Allele frequency attached by ClinVar (database versions not stated): ExAC 0.00001; gnomAD exomes 0.00001; gnomAD 0.00005; TOPMed 0.00006; ESP Exome Variant Server 0.00008.
gnomAD v4.1: 16 of 1,614,008 alleles (0.00099%); highest among the groups gnomAD compares: African/African-American, 0.019%; no homozygotes.

Submissions (3):

Labcorp Genetics (formerly Invitae), Labcorp
Classification: Likely benign. Last evaluated: 2025-06-17. Review status: criteria provided, single submitter. Criteria: Invitae Variant Classification Sherloc (09022015). Collection method: clinical testing. Allele origin: germline.

Fulgent Genetics
Classification: Uncertain significance for Arthrogryposis, renal dysfunction, and cholestasis 1; Keratoderma-ichthyosis-deafness syndrome, autosomal recessive; Cholestasis, progressive familial intrahepatic, 12. Last evaluated: 2024-02-04. Review status: criteria provided, single submitter. Criteria: ACMG Guidelines, 2015. Collection method: clinical testing. Allele origin: germline.

PreventionGenetics, part of Exact Sciences
Classification: Likely benign for VPS33B-related condition. Last evaluated: 2021-03-10. Review status: no assertion criteria provided. Collection method: clinical testing. Allele origin: germline. Not counted in ClinVar's aggregate classification.
Comment: This variant is classified as likely benign based on ACMG/AMP sequence variant interpretation guidelines (Richards et al. 2015 PMID: 25741868, with internal and published modifications).

NM_018668.5(VPS33B):c.1384C>T (p.Leu462=)

Gene: VPS33B (VPS33B late endosome and lysosome associated; minus strand). Cytogenetic location: 15q26.1.
Variant type: single nucleotide variant.
Coding change: c.1384C>T on transcript NM_018668.5 (MANE Select); coding-DNA position 1384, C replaced by T.
Protein change: p.Leu462=; no amino-acid change (leucine 462 retained).
Molecular consequence: synonymous variant.
Genome position (GRCh38, 1-based): chr15:91,002,071, G>A on the plus strand (C>T on the coding strand, the complement: VPS33B is on the minus strand). VCF-style: chr15-91002071-G-A. GRCh37 (hg19) VCF-style: chr15-91545301-G-A.
Other names: c.1303C>T, p.Leu435= (NM_001289148.1); c.1111C>T, p.Leu371= (NM_001289149.1).
Identifiers: ClinVar variation 2999951 (VCV002999951.6), dbSNP rs138372388, ClinGen allele CA7744668.